The following is an entry in ClinVar:

NM_000156.6(GAMT):c.37G>C (p.Gly13Arg)

Genes: GAMT (guanidinoacetate N-methyltransferase; minus strand), LOC130062945 (ATAC-STARR-seq lymphoblastoid silent region 9707; plus strand). Cytogenetic location: 19p13.3.
Variant type: single nucleotide variant.
Coding change: c.37G>C on transcript NM_000156.6 (MANE Select); coding-DNA position 37, G replaced by C.
Protein change: p.Gly13Arg; replaces glycine 13 with arginine.
Molecular consequence: missense variant.
Genome position (GRCh38, 1-based): chr19:1,401,440, C>G on the plus strand (G>C on the coding strand, the complement: GAMT is on the minus strand). VCF-style: chr19-1401440-C-G. GRCh37 (hg19) VCF-style: chr19-1401439-C-G.
Other names: c.37G>C, p.Gly13Arg (NM_138924.3); short protein forms G13R.
Identifiers: ClinVar variation 3343401 (VCV003343401.1).
Genomic context (GRCh38, chr19:1,401,440, plus strand): 5'-GCGTGTCCGCTGCGTCGTAGGCCGCGGGCGCCGCCCCCCACGCGGGGCTGCAGTTCTCGC[C>G]GGGCGCGAAGATGGGGGTCGCGCTGGGGGCGCTCATGCTGCAGGCTGGACGGCGACCCGA-3'
Protein context (NP_000147.1, residues 3-23): APSATPIFAP[Gly13Arg]ENCSPAWGAA

ClinVar aggregate classification (germline): Uncertain significance (1 of 4 stars; one submission).

Submission:

GeneDx
Classification: Uncertain significance. Last evaluated: 2023-05-15. Review status: criteria provided, single submitter. Criteria: GeneDx Variant Classification Process June 2021. Collection method: clinical testing. Allele origin: germline. Affected: yes.
Comment: Not observed at significant frequency in large population cohorts (gnomAD); In silico analysis supports that this missense variant does not alter protein structure/function; Has not been previously published as pathogenic or benign to our knowledge